The following is an entry in ClinVar:

ClinVar aggregate classification (germline): Likely benign. Review status: criteria provided, multiple submitters, no conflicts (2 of 4 stars). 2 submissions from 2 submitters: Likely benign (2). Last evaluated 2023-10-19.

Conditions:
Pyruvate carboxylase deficiency. Also called: PC DEFICIENCY; ATAXIA WITH LACTIC ACIDOSIS II; Pyruvate Carboxylase Deficiency Disease; LEIGH NECROTIZING ENCEPHALOPATHY DUE TO PYRUVATE CARBOXYLASE DEFICIENCY; LEIGH SYNDROME DUE TO PYRUVATE CARBOXYLASE DEFICIENCY. Identifiers: Orphanet 3008, MedGen C0034341, MONDO:0009949, OMIM 266150.

Allele frequency attached by ClinVar (database versions not stated): gnomAD exomes 0.00002; gnomAD 0.00003; ExAC 0.00005; TOPMed 0.00008.
gnomAD v4.1: 134 of 1,614,014 alleles (0.0083%); highest among the groups gnomAD compares: Non-Finnish European, 0.011%; no homozygotes.

Submissions (2):

Labcorp Genetics (formerly Invitae), Labcorp
Classification: Likely benign for Pyruvate carboxylase deficiency. Last evaluated: 2023-10-19. Review status: criteria provided, single submitter. Criteria: Invitae Variant Classification Sherloc (09022015). Collection method: clinical testing. Allele origin: germline.

GeneDx
Classification: Likely benign. Last evaluated: 2017-02-08. Review status: criteria provided, single submitter. Criteria: GeneDx Variant Classification (06012015). Collection method: clinical testing. Allele origin: germline. Affected: yes.
Comment: This variant is considered likely benign or benign based on one or more of the following criteria: it is a conservative change, it occurs at a poorly conserved position in the protein, it is predicted to be benign by multiple in silico algorithms, and/or has population frequency not consistent with disease.

NM_001040716.2(PC):c.3336C>T (p.Ile1112=)

Gene: PC (pyruvate carboxylase; minus strand). Cytogenetic location: 11q13.2.
Variant type: single nucleotide variant.
Coding change: c.3336C>T on transcript NM_001040716.2 (MANE Select); coding-DNA position 3336, C replaced by T.
Protein change: p.Ile1112=; no amino-acid change (isoleucine 1112 retained).
Molecular consequence: synonymous variant.
Genome position (GRCh38, 1-based): chr11:66,849,100, G>A on the plus strand (C>T on the coding strand, the complement: PC is on the minus strand). VCF-style: chr11-66849100-G-A. GRCh37 (hg19) VCF-style: chr11-66616571-G-A.
Other names: c.3336C>T, p.Ile1112= (NM_000920.4, NM_022172.3).
Identifiers: ClinVar variation 516453 (VCV000516453.11), dbSNP rs776196411, ClinGen allele CA6130815.